The following is an entry in ClinVar:

ClinVar aggregate classification (germline): Likely pathogenic (1 of 4 stars; one submission).

Conditions:
ABCB4-related disorder. Also called: ABCB4-related disorders; ABCB4-related condition.

Submission:

PreventionGenetics, part of Exact Sciences
Classification: Likely pathogenic for ABCB4-related condition. Last evaluated: 2026-04-23. Review status: criteria provided, single submitter. Criteria: ACMG Guidelines, 2015. Collection method: clinical testing. Allele origin: germline.
Comment: The ABCB4 c.1045C>T variant is predicted to result in premature protein termination (p.Gln349*). To our knowledge, this variant has not been reported in the literature. This variant is reported in 0.00089% of alleles in individuals of European (Non-Finnish) descent in gnomAD. Nonsense variants in ABCB4 are expected to be pathogenic. This variant is interpreted as likely pathogenic.

NM_000443.4(ABCB4):c.1045C>T (p.Gln349Ter)

Gene: ABCB4 (ATP binding cassette subfamily B member 4; minus strand). Cytogenetic location: 7q21.12.
Variant type: single nucleotide variant.
Coding change: c.1045C>T on transcript NM_000443.4 (MANE Select); coding-DNA position 1045, C replaced by T.
Protein change: p.Gln349Ter; replaces glutamine 349 with a stop codon.
Molecular consequence: nonsense.
Genome position (GRCh38, 1-based): chr7:87,444,936, G>A on the plus strand (C>T on the coding strand, the complement: ABCB4 is on the minus strand). VCF-style: chr7-87444936-G-A. GRCh37 (hg19) VCF-style: chr7-87074252-G-A.
Other names: c.1045C>T, p.Gln349Ter (NM_018849.3, NM_018850.3); short protein forms Q349*.
Identifiers: ClinVar variation 4991044 (VCV004991044.1).